The following is an entry in ClinVar:

ClinVar aggregate classification (germline): Uncertain significance. Review status: criteria provided, multiple submitters, no conflicts (2 of 4 stars). 2 submissions from 2 submitters: Uncertain significance (2). Last evaluated 2023-03-23.

Submissions (2):

GeneDx
Classification: Uncertain significance. Last evaluated: 2023-03-23. Review status: criteria provided, single submitter. Criteria: GeneDx Variant Classification Process June 2021. Collection method: clinical testing. Allele origin: germline. Affected: yes.
Comment: Not observed at significant frequency in large population cohorts (gnomAD); In silico analysis supports that this missense variant has a deleterious effect on protein structure/function; Has not been previously published as pathogenic or benign to our knowledge

Labcorp Genetics (formerly Invitae), Labcorp
Classification: Uncertain significance. Last evaluated: 2022-08-18. Review status: criteria provided, single submitter. Criteria: Invitae Variant Classification Sherloc (09022015). Collection method: clinical testing. Allele origin: germline.
Comment: In summary, the available evidence is currently insufficient to determine the role of this variant in disease. Therefore, it has been classified as a Variant of Uncertain Significance. Algorithms developed to predict the effect of missense changes on protein structure and function are either unavailable or do not agree on the potential impact of this missense change (SIFT: "Deleterious"; PolyPhen-2: "Probably Damaging"; Align-GVGD: "Class C0"). This variant has not been reported in the literature in individuals affected with CTNNA1-related conditions. This variant is not present in population databases (gnomAD no frequency). This sequence change replaces tyrosine, which is neutral and polar, with serine, which is neutral and polar, at codon 837 of the CTNNA1 protein (p.Tyr837Ser).

NM_001903.5(CTNNA1):c.2510A>C (p.Tyr837Ser)

Gene: CTNNA1 (catenin alpha 1; plus strand). Cytogenetic location: 5q31.2.
Variant type: single nucleotide variant.
Coding change: c.2510A>C on transcript NM_001903.5 (MANE Select); coding-DNA position 2510, A replaced by C.
Protein change: p.Tyr837Ser; replaces tyrosine 837 with serine.
Molecular consequence: missense variant. On other transcripts: 3 prime UTR variant (5).
Genome position (GRCh38, 1-based): chr5:138,933,878, A>C. VCF-style: chr5-138933878-A-C. GRCh37 (hg19) VCF-style: chr5-138269567-A-C.
Other names: c.*55A>C (NM_001290307.3, NM_001324002.1, NM_001324003.1 and 2 more transcripts); c.2201A>C, p.Tyr734Ser (NM_001290309.3); c.2141A>C, p.Tyr714Ser (NM_001290310.3); c.1400A>C, p.Tyr467Ser (NM_001290312.1, NM_001323987.1, NM_001323988.1 and 12 more transcripts); c.2510A>C, p.Tyr837Ser (NM_001323982.2, NM_001323983.1, NM_001323984.2); c.2483A>C, p.Tyr828Ser (NM_001323985.2); c.2417A>C, p.Tyr806Ser (NM_001323986.2); c.1061A>C, p.Tyr354Ser (NM_001324007.1, NM_001324008.1, NM_001324009.1 and 2 more transcripts); and 4 more; short protein forms Y354S, Y386S, Y422S, Y436S, Y467S, Y714S, Y734S, Y806S.
Identifiers: ClinVar variation 1716661 (VCV001716661.6), dbSNP rs2533949686, ClinGen allele CA361135271.